The following is an entry in ClinVar:

ClinVar aggregate classification (germline): Pathogenic. Review status: criteria provided, multiple submitters, no conflicts (2 of 4 stars). 5 submissions from 5 submitters: Pathogenic (5). Last evaluated 2023-08-17.

Conditions:
Lynch syndrome 5 (LYNCH5). Also called: Hereditary non-polyposis colorectal cancer, type 5; Colorectal cancer, hereditary nonpolyposis, type 5. Identifiers: Orphanet 144, MedGen C1833477, MONDO:0013710, OMIM 614350. Disease mechanism: loss of function.
Hereditary cancer-predisposing syndrome. Also called: Tumor predisposition; Hereditary Cancer Syndrome; Hereditary neoplastic syndrome; Neoplastic Syndromes, Hereditary. Identifiers: Orphanet 140162, MedGen C0027672, MeSH D009386, MONDO:0015356.
Hereditary nonpolyposis colorectal neoplasms. Identifiers: MedGen C0009405, MeSH D003123.

Submissions (5):

Myriad Genetics, Inc.
Classification: Pathogenic for Lynch syndrome 5. Last evaluated: 2023-08-17. Review status: criteria provided, single submitter. Criteria: Myriad Autosomal Dominant, Autosomal Recessive and X-Linked Classification Criteria (2023). Collection method: clinical testing. Allele origin: unknown.
Comment: This variant is considered pathogenic. This variant creates a termination codon and is predicted to result in premature protein truncation.

Labcorp Genetics (formerly Invitae), Labcorp
Classification: Pathogenic for Hereditary nonpolyposis colorectal neoplasms. Last evaluated: 2022-09-20. Review status: criteria provided, single submitter. Criteria: Invitae Variant Classification Sherloc (09022015). Collection method: clinical testing. Allele origin: germline.
Comment: ClinVar contains an entry for this variant (Variation ID: 410398). This sequence change creates a premature translational stop signal (p.Trp912*) in the MSH6 gene. It is expected to result in an absent or disrupted protein product. Loss-of-function variants in MSH6 are known to be pathogenic (PMID: 18269114, 24362816). This variant is not present in population databases (gnomAD no frequency). This premature translational stop signal has been observed in individual(s) with ovarian cancer (PMID: 24728189). Algorithms developed to predict the effect of sequence changes on RNA splicing suggest that this variant may create or strengthen a splice site. For these reasons, this variant has been classified as Pathogenic.

Color Diagnostics, LLC DBA Color Health
Classification: Pathogenic for Hereditary cancer-predisposing syndrome. Last evaluated: 2020-01-15. Review status: criteria provided, single submitter. Criteria: ACMG Guidelines, 2015. Collection method: clinical testing. Allele origin: germline.
Comment: This variant changes 1 nucleotide in exon 4 of the MSH6 gene, creating a premature translation stop signal. This variant is expected to result in an absent or non-functional protein product. This variant has not been identified in the general population by the Genome Aggregation Database (gnomAD). Loss of MSH6 function is a known mechanism of disease. Based on the available evidence, this variant is classified as Pathogenic.

Ambry Genetics
Classification: Pathogenic for Hereditary cancer-predisposing syndrome. Last evaluated: 2018-11-21. Review status: criteria provided, single submitter. Criteria: Ambry Variant Classification Scheme 2023. Collection method: clinical testing. Allele origin: germline.
Comment: The p.W912* pathogenic mutation (also known as c.2735G>A), located in coding exon 4 of the MSH6 gene, results from a G to A substitution at nucleotide position 2735. This changes the amino acid from a tryptophan to a stop codon within coding exon 4. In addition to the clinical data presented in the literature, this alteration is expected to result in loss of function by premature protein truncation or nonsense-mediated mRNA decay. As such, this alteration is interpreted as a disease-causing mutation.

Quest Diagnostics Nichols Institute San Juan Capistrano
Classification: Pathogenic. Last evaluated: 2018-11-09. Review status: criteria provided, single submitter. Criteria: Quest Diagnostics criteria. Collection method: clinical testing. Allele origin: germline.
Comment: The variant creates a premature nonsense codon, and is therefore predicted to result in the loss of a functional protein. Found in at least one symptomatic patient, and not found in general population data.

Literature cited by the submitters: PubMed 18269114 (cited by Labcorp Genetics (formerly Invitae), Labcorp); PubMed 24362816 (cited by Labcorp Genetics (formerly Invitae), Labcorp); PubMed 24728189 (cited by Labcorp Genetics (formerly Invitae), Labcorp and Quest Diagnostics Nichols Institute San Juan Capistrano); PubMed 26648449 (cited by Quest Diagnostics Nichols Institute San Juan Capistrano).

NM_000179.3(MSH6):c.2735G>A (p.Trp912Ter)

Gene: MSH6 (mutS homolog 6; plus strand). Cytogenetic location: 2p16.3.
Variant type: single nucleotide variant.
Coding change: c.2735G>A on transcript NM_000179.3 (MANE Select); coding-DNA position 2735, G replaced by A.
Protein change: p.Trp912Ter; replaces tryptophan 912 with a stop codon.
Molecular consequence: nonsense.
Genome position (GRCh38, 1-based): chr2:47,800,718, G>A. VCF-style: chr2-47800718-G-A. GRCh37 (hg19) VCF-style: chr2-48027857-G-A.
Other names: c.2345G>A, p.Trp782Ter (NM_001281492.2); c.1829G>A, p.Trp610Ter (NM_001281493.2, NM_001281494.2); short protein forms W912*, W610*, W782*.
Identifiers: ClinVar variation 410398 (VCV000410398.20), dbSNP rs1060502876, ClinGen allele CA16610918.